The following is an entry in ClinVar:

NM_001253697.2(ERBIN):c.2493G>T (p.Gln831His)

Gene: ERBIN (erbb2 interacting protein; plus strand). Cytogenetic location: 5q12.3.
Variant type: single nucleotide variant.
Coding change: c.2493G>T on transcript NM_001253697.2 (MANE Select); coding-DNA position 2493, G replaced by T.
Protein change: p.Gln831His; replaces glutamine 831 with histidine.
Molecular consequence: missense variant.
Genome position (GRCh38, 1-based): chr5:66,053,811, G>T. VCF-style: chr5-66053811-G-T. GRCh37 (hg19) VCF-style: chr5-65349639-G-T.
Other names: c.2493G>T, p.Gln831His (NM_001006600.3, NM_001253698.2, NM_001253699.2 and 1 more transcripts); c.2481G>T, p.Gln827His (NM_001253701.2); short protein forms Q831H, Q827H.
Identifiers: ClinVar variation 2881144 (VCV002881144.3), dbSNP rs2546811965, ClinGen allele CA359866990.

ClinVar aggregate classification (germline): Uncertain significance (1 of 4 stars; one submission).

gnomAD v4.1: 1 of 1,613,988 alleles (0.000062%); no homozygotes.

Submission:

Labcorp Genetics (formerly Invitae), Labcorp
Classification: Uncertain significance. Last evaluated: 2023-03-04. Review status: criteria provided, single submitter. Criteria: Invitae Variant Classification Sherloc (09022015). Collection method: clinical testing. Allele origin: germline.
Comment: In summary, the available evidence is currently insufficient to determine the role of this variant in disease. Therefore, it has been classified as a Variant of Uncertain Significance. An algorithm developed to predict the effect of missense changes on protein structure and function (PolyPhen-2) suggests that this variant is likely to be tolerated. This variant has not been reported in the literature in individuals affected with ERBIN-related conditions. This variant is not present in population databases (gnomAD no frequency). This sequence change replaces glutamine, which is neutral and polar, with histidine, which is basic and polar, at codon 831 of the ERBIN protein (p.Gln831His).